The following is an entry in ClinVar:

NM_000548.5(TSC2):c.1609C>A (p.Arg537Ser)

Gene: TSC2 (TSC complex subunit 2; plus strand). Cytogenetic location: 16p13.3.
Variant type: single nucleotide variant.
Coding change: c.1609C>A on transcript NM_000548.5 (MANE Select); coding-DNA position 1609, C replaced by A.
Protein change: p.Arg537Ser; replaces arginine 537 with serine.
Molecular consequence: missense variant.
Genome position (GRCh38, 1-based): chr16:2,065,528, C>A. VCF-style: chr16-2065528-C-A. GRCh37 (hg19) VCF-style: chr16-2115529-C-A.
Other names: c.1609C>A, p.Arg537Ser (NM_001077183.3, NM_001114382.3, NM_001363528.2 and 3 more transcripts); c.1498C>A, p.Arg500Ser (NM_001318827.2); c.1462C>A, p.Arg488Ser (NM_001318829.2); c.1009C>A, p.Arg337Ser (NM_001318831.2); c.1642C>A, p.Arg548Ser (NM_001318832.2); short protein forms R537S, R500S, R548S, R337S, R488S.
Identifiers: ClinVar variation 406103 (VCV000406103.8), dbSNP rs142257684, ClinGen allele CA16614927.

ClinVar aggregate classification (germline): Uncertain significance (1 of 4 stars; one submission).

Conditions:
Tuberous sclerosis 2 (TSC2). Identifiers: Orphanet 805, MedGen C1860707, MONDO:0013199, OMIM 613254.

Submission:

Labcorp Genetics (formerly Invitae), Labcorp
Classification: Uncertain significance for Tuberous sclerosis 2. Last evaluated: 2023-03-16. Review status: criteria provided, single submitter. Criteria: Invitae Variant Classification Sherloc (09022015). Collection method: clinical testing. Allele origin: germline.
Comment: In summary, the available evidence is currently insufficient to determine the role of this variant in disease. Therefore, it has been classified as a Variant of Uncertain Significance. Advanced modeling of protein sequence and biophysical properties (such as structural, functional, and spatial information, amino acid conservation, physicochemical variation, residue mobility, and thermodynamic stability) performed at Invitae indicates that this missense variant is not expected to disrupt TSC2 protein function. ClinVar contains an entry for this variant (Variation ID: 406103). This variant has not been reported in the literature in individuals affected with TSC2-related conditions. This variant is not present in population databases (gnomAD no frequency). This sequence change replaces arginine, which is basic and polar, with serine, which is neutral and polar, at codon 537 of the TSC2 protein (p.Arg537Ser).